The following is an entry in ClinVar:

NM_001261826.3(AP3D1):c.2001+6C>T

Gene: AP3D1 (adaptor related protein complex 3 subunit delta 1; minus strand). Cytogenetic location: 19p13.3.
Variant type: single nucleotide variant.
Coding change: c.2001+6C>T on transcript NM_001261826.3 (MANE Select); 6 bases into the intron after coding-DNA position 2001, C replaced by T.
Molecular consequence: intron variant.
Genome position (GRCh38, 1-based): chr19:2,116,599, G>A on the plus strand (C>T on the coding strand, the complement: AP3D1 is on the minus strand). VCF-style: chr19-2116599-G-A. GRCh37 (hg19) VCF-style: chr19-2116598-G-A.
Other names: c.2001+6C>T (NM_003938.8, NM_001374799.1).
Identifiers: ClinVar variation 1497556 (VCV001497556.7), dbSNP rs376715473, ClinGen allele CA9059091.

ClinVar aggregate classification (germline): Uncertain significance. Review status: criteria provided, multiple submitters, no conflicts (2 of 4 stars). 2 submissions from 2 submitters: Uncertain significance (2). Last evaluated 2024-06-06.

Conditions:
Hermansky-Pudlak syndrome 10 (HPS10). Identifiers: Orphanet 664511, MedGen C4310746, MONDO:0014885, OMIM 617050.

Allele frequency attached by ClinVar (database versions not stated): gnomAD exomes 0.00001 and 0.00002; ExAC 0.00008; gnomAD 0.00015 and 0.00017; ESP Exome Variant Server 0.00016; TOPMed 0.00020.
gnomAD v4.1: 42 of 1,583,284 alleles (0.0027%); highest among the groups gnomAD compares: African/African-American, 0.054%; no homozygotes.

Submissions (2):

Labcorp Genetics (formerly Invitae), Labcorp
Classification: Uncertain significance. Last evaluated: 2024-06-06. Review status: criteria provided, single submitter. Criteria: Invitae Variant Classification Sherloc (09022015). Collection method: clinical testing. Allele origin: germline.
Comment: This sequence change falls in intron 17 of the AP3D1 gene. It does not directly change the encoded amino acid sequence of the AP3D1 protein. It affects a nucleotide within the consensus splice site. This variant is present in population databases (rs376715473, gnomAD 0.05%). This variant has not been reported in the literature in individuals affected with AP3D1-related conditions. ClinVar contains an entry for this variant (Variation ID: 1497556). Variants that disrupt the consensus splice site are a relatively common cause of aberrant splicing (PMID: 17576681, 9536098). Algorithms developed to predict the effect of sequence changes on RNA splicing suggest that this variant is not likely to affect RNA splicing. In summary, the available evidence is currently insufficient to determine the role of this variant in disease. Therefore, it has been classified as a Variant of Uncertain Significance.

Fulgent Genetics
Classification: Uncertain significance for Hermansky-Pudlak syndrome 10. Last evaluated: 2021-10-27. Review status: criteria provided, single submitter. Criteria: ACMG Guidelines, 2015. Collection method: clinical testing. Allele origin: unknown.

Literature cited by the submitters: PubMed 17576681 (cited by Labcorp Genetics (formerly Invitae), Labcorp); PubMed 9536098 (cited by Labcorp Genetics (formerly Invitae), Labcorp).